The following is an entry in ClinVar:

NM_004629.2(FANCG):c.1138C>T (p.Pro380Ser)

Gene: FANCG (FA complementation group G; minus strand). Cytogenetic location: 9p13.3.
Variant type: single nucleotide variant.
Coding change: c.1138C>T on transcript NM_004629.2 (MANE Select); coding-DNA position 1138, C replaced by T.
Protein change: p.Pro380Ser; replaces proline 380 with serine.
Molecular consequence: missense variant.
Genome position (GRCh38, 1-based): chr9:35,075,967, G>A on the plus strand (C>T on the coding strand, the complement: FANCG is on the minus strand). VCF-style: chr9-35075967-G-A. GRCh37 (hg19) VCF-style: chr9-35075964-G-A.
Other names: short protein forms P380S.
Identifiers: ClinVar variation 5036532 (VCV005036532.1).

ClinVar aggregate classification (germline): Uncertain significance (1 of 4 stars; one submission).

Conditions:
Inborn genetic diseases. Identifiers: MedGen C0950123, MeSH D030342.

gnomAD v4.1: 1 of 1,614,130 alleles (0.000062%); no homozygotes.

Submission:

Ambry Genetics
Classification: Uncertain significance for Inborn genetic diseases. Last evaluated: 2026-08-15. Review status: criteria provided, single submitter. Criteria: Ambry Variant Classification Scheme 2023. Collection method: clinical testing. Allele origin: germline.
Comment: The p.P380S variant (also known as c.1138C>T), located in coding exon 9 of the FANCG gene, results from a C to T substitution at nucleotide position 1138. The proline at codon 380 is replaced by serine, an amino acid with similar properties. This amino acid position is conserved. In addition, this alteration is predicted to be tolerated by in silico analysis. Based on the available evidence, the clinical significance of this variant remains unclear.